The following is an entry in ClinVar:

NM_004082.5(DCTN1):c.2275T>C (p.Cys759Arg)

Gene: DCTN1 (dynactin subunit 1; minus strand). Cytogenetic location: 2p13.1.
Variant type: single nucleotide variant.
Coding change: c.2275T>C on transcript NM_004082.5 (MANE Select); coding-DNA position 2275, T replaced by C.
Protein change: p.Cys759Arg; replaces cysteine 759 with arginine.
Molecular consequence: missense variant. On other transcripts: non-coding transcript variant (1).
Genome position (GRCh38, 1-based): chr2:74,367,086, A>G on the plus strand (T>C on the coding strand, the complement: DCTN1 is on the minus strand). VCF-style: chr2-74367086-A-G. GRCh37 (hg19) VCF-style: chr2-74594213-A-G.
Other names: c.2215T>C, p.Cys739Arg (NM_001135040.3); c.1873T>C, p.Cys625Arg (NM_001135041.3, NM_023019.4); c.2164T>C, p.Cys722Arg (NM_001190836.2); c.2254T>C, p.Cys752Arg (NM_001190837.2); c.2224T>C, p.Cys742Arg (NM_001378991.1); c.2206T>C, p.Cys736Arg (NM_001378992.1); short protein forms C625R, C739R, C742R, C752R, C759R, C722R, C736R.
Identifiers: ClinVar variation 1500975 (VCV001500975.6), dbSNP rs2104418971, ClinGen allele CA347348794.

ClinVar aggregate classification (germline): Uncertain significance (1 of 4 stars; one submission).

Conditions:
Amyotrophic lateral sclerosis type 1 (ALS1). Also called: AMYOTROPHIC LATERAL SCLEROSIS 1, FAMILIAL. Identifiers: Orphanet 803, MedGen C1862939, MONDO:0007103, OMIM 105400.
Perry syndrome. Also called: PARKINSONISM WITH ALVEOLAR HYPOVENTILATION AND MENTAL DEPRESSION. Identifiers: Orphanet 178509, MedGen C1868594, MONDO:0008201, OMIM 168605.
Neuronopathy, distal hereditary motor, type 7B. Also called: Distal Hereditary Motor Neuronopathy Type 7B (dHMN7B); NEURONOPATHY, DISTAL HEREDITARY MOTOR, AUTOSOMAL DOMINANT 14; NEURONOPATHY, DISTAL HEREDITARY MOTOR, HARDING TYPE VIIB; NEUROPATHY, DISTAL HEREDITARY MOTOR, HARDING TYPE VIIB; NEUROPATHY, DISTAL HEREDITARY MOTOR, WITH VOCAL CORD PARALYSIS, HARDING TYPE VIIB; HMN VIIB. Identifiers: Orphanet 139589, MedGen C1843315, MONDO:0011879, OMIM 607641.

Submission:

Labcorp Genetics (formerly Invitae), Labcorp
Classification: Uncertain significance for Amyotrophic lateral sclerosis type 1; Neuronopathy, distal hereditary motor, type 7B; Perry syndrome. Last evaluated: 2021-08-25. Review status: criteria provided, single submitter. Criteria: Invitae Variant Classification Sherloc (09022015). Collection method: clinical testing. Allele origin: germline.
Comment: In summary, the available evidence is currently insufficient to determine the role of this variant in disease. Therefore, it has been classified as a Variant of Uncertain Significance. Algorithms developed to predict the effect of missense changes on protein structure and function (SIFT, PolyPhen-2, Align-GVGD) all suggest that this variant is likely to be disruptive. This variant has not been reported in the literature in individuals affected with DCTN1-related conditions. This variant is not present in population databases (ExAC no frequency). This sequence change replaces cysteine with arginine at codon 759 of the DCTN1 protein (p.Cys759Arg). The cysteine residue is highly conserved and there is a large physicochemical difference between cysteine and arginine.